The following is an entry in ClinVar:

ClinVar aggregate classification (germline): Likely benign. Review status: criteria provided, multiple submitters, no conflicts (2 of 4 stars). 4 submissions from 4 submitters: Likely benign (3). 1 of the submissions does not count toward it. Last evaluated 2025-12-17.

Conditions:
3M syndrome 2. Also called: 3-M Syndrome, OBSL1-Related; THREE M SYNDROME 2. Identifiers: Orphanet 2616, MedGen C2752041, MONDO:0013039, OMIM 612921.
OBSL1-related disorder. Also called: OBSL1-related condition.

Allele frequency attached by ClinVar (database versions not stated): gnomAD 0.00004 and 0.00011; TOPMed 0.00006; gnomAD exomes 0.00017 and 0.00031; ExAC 0.00053; 1000 Genomes Project 0.00060; 1000 Genomes Project 30x 0.00062.

Submissions (4):

Labcorp Genetics (formerly Invitae), Labcorp
Classification: Likely benign. Last evaluated: 2025-12-17. Review status: criteria provided, single submitter. Criteria: Invitae Variant Classification Sherloc (09022015). Collection method: clinical testing. Allele origin: germline.

Women's Health and Genetics/Laboratory Corporation of America, LabCorp
Classification: Likely benign. Last evaluated: 2023-10-10. Review status: criteria provided, single submitter. Criteria: LabCorp Variant Classification Summary - May 2015. Collection method: clinical testing. Allele origin: germline.
Comment: Variant summary: OBSL1 c.3304C>T (p.Arg1102Cys) results in a non-conservative amino acid change located in the Immunoglobulin subtype 2 domain (IPR003598) of the encoded protein sequence. Three of five in-silico tools predict a damaging effect of the variant on protein function. The variant allele was found at a frequency of 0.00031 in 237234 control chromosomes, predominantly at a frequency of 0.0022 within the South Asian subpopulation in the gnomAD database. The observed variant frequency within South Asian control individuals in the gnomAD database is approximately 2 fold of the estimated maximal expected allele frequency for a pathogenic variant in OBSL1 causing Three M Syndrome 2 phenotype (0.0011), strongly suggesting that the variant is a benign polymorphism found primarily in populations of South Asian origin. To our knowledge, no occurrence of c.3304C>T in individuals affected with Three M Syndrome 2 and no experimental evidence demonstrating its impact on protein function have been reported. Two submitters have cited clinical-significance assessments for this variant to ClinVar after 2014. All submitters classified the variant as benign/likely benign. Based on the evidence outlined above, the variant was classified as likely benign.

Illumina Laboratory Services, Illumina
Classification: Likely benign for 3M syndrome 2. Last evaluated: 2018-01-13. Review status: criteria provided, single submitter. Criteria: ICSL Variant Classification Criteria 13 December 2019. Collection method: clinical testing. Allele origin: germline.
Comment: This variant was observed in the ICSL laboratory as part of a predisposition screen in an ostensibly healthy population. It had not been previously curated by ICSL or reported in the Human Gene Mutation Database (HGMD: prior to June 1st, 2018), and was therefore a candidate for classification through an automated scoring system. Utilizing variant allele frequency, disease prevalence and penetrance estimates, and inheritance mode, an automated score was calculated to assess if this variant is too frequent to cause the disease. Based on the score and internal cut-off values, a variant classified as likely benign is not then subjected to further curation. The score for this variant resulted in a classification of likely benign for this disease.

PreventionGenetics, part of Exact Sciences
Classification: Likely benign for OBSL1-related condition. Last evaluated: 2022-02-17. Review status: no assertion criteria provided. Collection method: clinical testing. Allele origin: germline. Not counted in ClinVar's aggregate classification.
Comment: This variant is classified as likely benign based on ACMG/AMP sequence variant interpretation guidelines (Richards et al. 2015 PMID: 25741868, with internal and published modifications).

NM_015311.3(OBSL1):c.3304C>T (p.Arg1102Cys)

Gene: OBSL1 (obscurin like cytoskeletal adaptor 1; minus strand). Cytogenetic location: 2q35.
Variant type: single nucleotide variant.
Coding change: c.3304C>T on transcript NM_015311.3 (MANE Select); coding-DNA position 3304, C replaced by T.
Protein change: p.Arg1102Cys; replaces arginine 1102 with cysteine.
Molecular consequence: missense variant.
Genome position (GRCh38, 1-based): chr2:219,558,382, G>A on the plus strand (C>T on the coding strand, the complement: OBSL1 is on the minus strand). VCF-style: chr2-219558382-G-A. GRCh37 (hg19) VCF-style: chr2-220423104-G-A.
Other names: c.3304C>T, p.Arg1102Cys (NM_001173431.2); short protein forms R1102C.
Identifiers: ClinVar variation 724327 (VCV000724327.15), dbSNP rs562419349, ClinGen allele CA2130900.